The following is an entry in ClinVar:

NM_001375405.1(CEP120):c.964G>A (p.Ala322Thr)

Gene: CEP120 (centrosomal protein 120; minus strand). Cytogenetic location: 5q23.2.
Variant type: single nucleotide variant.
Coding change: c.964G>A on transcript NM_001375405.1 (MANE Select); coding-DNA position 964, G replaced by A.
Protein change: p.Ala322Thr; replaces alanine 322 with threonine.
Molecular consequence: missense variant. On other transcripts: non-coding transcript variant (1).
Genome position (GRCh38, 1-based): chr5:123,391,184, C>T on the plus strand (G>A on the coding strand, the complement: CEP120 is on the minus strand). VCF-style: chr5-123391184-C-T. GRCh37 (hg19) VCF-style: chr5-122726878-C-T.
Other names: c.886G>A, p.Ala296Thr (NM_001166226.2); c.964G>A, p.Ala322Thr (NM_001375406.1, NM_001375407.1, NM_153223.4); c.391G>A, p.Ala131Thr (NM_001375408.1, NM_001375409.1); short protein forms A322T, A131T, A296T.
Identifiers: ClinVar variation 3713036 (VCV003713036.1).

ClinVar aggregate classification (germline): Uncertain significance (1 of 4 stars; one submission).

Conditions:
Short-rib thoracic dysplasia 13 with or without polydactyly (SRTD13). Identifiers: Orphanet 474, MedGen C4225378, MONDO:0014577, OMIM 616300.

gnomAD v4.1: 5 of 1,614,166 alleles (0.00031%); highest among the groups gnomAD compares: Admixed American, 0.0067%; no homozygotes.

Submission:

Labcorp Genetics (formerly Invitae), Labcorp
Classification: Uncertain significance for Short-rib thoracic dysplasia 13 with or without polydactyly. Last evaluated: 2024-07-22. Review status: criteria provided, single submitter. Criteria: Invitae Variant Classification Sherloc (09022015). Collection method: clinical testing. Allele origin: germline.
Comment: This sequence change replaces alanine, which is neutral and non-polar, with threonine, which is neutral and polar, at codon 322 of the CEP120 protein (p.Ala322Thr). This variant is present in population databases (rs778832006, gnomAD 0.01%). This variant has not been reported in the literature in individuals affected with CEP120-related conditions. Advanced modeling of protein sequence and biophysical properties (such as structural, functional, and spatial information, amino acid conservation, physicochemical variation, residue mobility, and thermodynamic stability) performed at Invitae indicates that this missense variant is not expected to disrupt CEP120 protein function with a negative predictive value of 80%. In summary, the available evidence is currently insufficient to determine the role of this variant in disease. Therefore, it has been classified as a Variant of Uncertain Significance.